The following is an entry in ClinVar:

NM_001202.6(BMP4):c.770C>T (p.Ser257Leu)

Gene: BMP4 (bone morphogenetic protein 4; minus strand). Cytogenetic location: 14q22.2.
Variant type: single nucleotide variant.
Coding change: c.770C>T on transcript NM_001202.6 (MANE Select); coding-DNA position 770, C replaced by T.
Protein change: p.Ser257Leu; replaces serine 257 with leucine.
Molecular consequence: missense variant.
Genome position (GRCh38, 1-based): chr14:53,950,489, G>A on the plus strand (C>T on the coding strand, the complement: BMP4 is on the minus strand). VCF-style: chr14-53950489-G-A. GRCh37 (hg19) VCF-style: chr14-54417207-G-A.
Other names: c.911C>T, p.Ser304Leu (NM_001347912.1); c.581C>T, p.Ser194Leu (NM_001347913.2, NM_001347915.2, NM_001347917.1); c.770C>T, p.Ser257Leu (NM_001347914.2, NM_001347916.1, NM_130850.5 and 1 more transcripts); short protein forms S194L, S257L, S304L.
Identifiers: ClinVar variation 3763926 (VCV003763926.2).

ClinVar aggregate classification (germline): Uncertain significance (1 of 4 stars; one submission).

Conditions:
Microphthalmia with brain and digit anomalies (MCOPS6). Also called: Microphthalmia, syndromic 6; MICROPHTHALMIA AND PITUITARY ANOMALIES. Identifiers: Orphanet 139471, MedGen C1864689, MONDO:0011936, OMIM 607932.
Orofacial cleft 11 (OFC11). Also called: CLEFT LIP WITH OR WITHOUT CLEFT PALATE, NONSYNDROMIC, 11; Orofacial cleft 11; ofc11. Identifiers: MedGen C2677434, MONDO:0010906, OMIM 600625.

Submission:

Labcorp Genetics (formerly Invitae), Labcorp
Classification: Uncertain significance for Microphthalmia with brain and digit anomalies; Orofacial cleft 11. Last evaluated: 2024-03-23. Review status: criteria provided, single submitter. Criteria: Invitae Variant Classification Sherloc (09022015). Collection method: clinical testing. Allele origin: germline.
Comment: This sequence change replaces serine, which is neutral and polar, with leucine, which is neutral and non-polar, at codon 257 of the BMP4 protein (p.Ser257Leu). This variant is not present in population databases (gnomAD no frequency). This variant has not been reported in the literature in individuals affected with BMP4-related conditions. Advanced modeling of protein sequence and biophysical properties (such as structural, functional, and spatial information, amino acid conservation, physicochemical variation, residue mobility, and thermodynamic stability) performed at Invitae indicates that this missense variant is not expected to disrupt BMP4 protein function with a negative predictive value of 80%. In summary, the available evidence is currently insufficient to determine the role of this variant in disease. Therefore, it has been classified as a Variant of Uncertain Significance.